The following is an entry in ClinVar:

NM_002473.6(MYH9):c.5171A>G (p.Lys1724Arg)

Gene: MYH9 (myosin heavy chain 9; minus strand). Cytogenetic location: 22q12.3.
Variant type: single nucleotide variant.
Coding change: c.5171A>G on transcript NM_002473.6 (MANE Select); coding-DNA position 5171, A replaced by G.
Protein change: p.Lys1724Arg; replaces lysine 1724 with arginine.
Molecular consequence: missense variant.
Genome position (GRCh38, 1-based): chr22:36,285,761, T>C on the plus strand (A>G on the coding strand, the complement: MYH9 is on the minus strand). VCF-style: chr22-36285761-T-C. GRCh37 (hg19) VCF-style: chr22-36681807-T-C.
Other names: short protein forms K1724R.
Identifiers: ClinVar variation 2902176 (VCV002902176.6), dbSNP rs770791825, ClinGen allele CA10209130.

ClinVar aggregate classification (germline): Conflicting classifications of pathogenicity. Review status: criteria provided, conflicting classifications (1 of 4 stars). 4 submissions from 4 submitters: Uncertain significance (3); Likely benign (1). Last evaluated 2025-12-23.

Conditions:
MYH9-related disorder. Identifiers: MedGen C1854520.

Allele frequency attached by ClinVar (database versions not stated): gnomAD exomes 0.00002; TOPMed 0.00002; ExAC 0.00003.
gnomAD v4.1: 33 of 1,610,712 alleles (0.002%); highest among the groups gnomAD compares: Non-Finnish European, 0.0028%; no homozygotes.

Submissions (4):

Labcorp Genetics (formerly Invitae), Labcorp
Classification: Likely benign. Last evaluated: 2025-12-23. Review status: criteria provided, single submitter. Criteria: Invitae Variant Classification Sherloc (09022015). Collection method: clinical testing. Allele origin: germline.

PreventionGenetics, part of Exact Sciences
Classification: Uncertain significance for MYH9-related condition. Last evaluated: 2025-06-17. Review status: criteria provided, single submitter. Criteria: ACMG Guidelines, 2015. Collection method: clinical testing. Allele origin: germline.
Comment: The MYH9 c.5171A>G variant is predicted to result in the amino acid substitution p.Lys1724Arg. To our knowledge, this variant has not been reported in the literature. This variant is reported in 0.0028% of alleles in individuals of European (Non-Finnish) descent in gnomAD. At this time, the clinical significance of this variant is uncertain due to the absence of conclusive functional and genetic evidence.

Center for Genomic Medicine, Rigshospitalet, Copenhagen University Hospital
Classification: Uncertain significance. Last evaluated: 2025-03-04. Review status: criteria provided, single submitter. Criteria: ACMG Guidelines, 2015. Collection method: clinical testing. Allele origin: germline.

Blueprint Genetics
Classification: Uncertain significance. Last evaluated: 2023-09-21. Review status: criteria provided, single submitter. Criteria: ACMG Guidelines, 2015. Collection method: clinical testing. Allele origin: germline.